The following is an entry in ClinVar:

ClinVar aggregate classification (germline): Uncertain significance. Review status: criteria provided, multiple submitters, no conflicts (2 of 4 stars). 2 submissions from 2 submitters: Uncertain significance (2). Last evaluated 2026-01-02.

Conditions:
Emery-Dreifuss muscular dystrophy 4, autosomal dominant (EDMD4). Also called: EMERY-DREIFUSS MUSCULAR DYSTROPHY 4 WITH VARIABLE FEATURES. Identifiers: Orphanet 261, MedGen C2751807, MONDO:0013071, OMIM 612998.
Autosomal recessive ataxia, Beauce type. Also called: SYNE1-Related Autosomal Recessive Cerebellar Ataxia; Spinocerebellar ataxia, autosomal recessive 8; ATAXIA, RECESSIVE, OF BEAUCE; SYNE1 Deficiency. Identifiers: Orphanet 88644, MedGen C1853116, MONDO:0012549, OMIM 610743.

Allele frequency attached by ClinVar (database versions not stated): ExAC 0.00004; gnomAD 0.00004; gnomAD exomes 0.00004 and 0.00007; TOPMed 0.00004.
gnomAD v4.1: 108 of 1,614,048 alleles (0.0067%); highest among the groups gnomAD compares: Non-Finnish European, 0.0085%; no homozygotes.

Submissions (2):

Labcorp Genetics (formerly Invitae), Labcorp
Classification: Uncertain significance for Emery-Dreifuss muscular dystrophy 4, autosomal dominant; Autosomal recessive ataxia, Beauce type. Last evaluated: 2026-01-02. Review status: criteria provided, single submitter. Criteria: Invitae Variant Classification Sherloc (09022015). Collection method: clinical testing. Allele origin: germline.
Comment: This sequence change replaces glutamic acid, which is acidic and polar, with valine, which is neutral and non-polar, at codon 1432 of the SYNE1 protein (p.Glu1432Val). This variant is present in population databases (rs767783076, gnomAD 0.007%). This variant has not been reported in the literature in individuals affected with SYNE1-related conditions. ClinVar contains an entry for this variant (Variation ID: 471046). An algorithm developed to predict the effect of missense changes on protein structure and function (PolyPhen-2) suggests that this variant is likely to be tolerated. In summary, the available evidence is currently insufficient to determine the role of this variant in disease. Therefore, it has been classified as a Variant of Uncertain Significance.

Revvity Omics, Revvity
Classification: Uncertain significance. Last evaluated: 2021-03-22. Review status: criteria provided, single submitter. Criteria: ACMG Guidelines, 2015. Collection method: clinical testing. Allele origin: germline.

NM_182961.4(SYNE1):c.4274A>T (p.Glu1425Val)

Gene: SYNE1 (spectrin repeat containing nuclear envelope protein 1; minus strand). Cytogenetic location: 6q25.2.
Variant type: single nucleotide variant.
Coding change: c.4274A>T on transcript NM_182961.4 (MANE Select); coding-DNA position 4274, A replaced by T.
Protein change: p.Glu1425Val; replaces glutamic acid 1425 with valine.
Molecular consequence: missense variant.
Genome position (GRCh38, 1-based): chr6:152,435,977, T>A on the plus strand (A>T on the coding strand, the complement: SYNE1 is on the minus strand). VCF-style: chr6-152435977-T-A. GRCh37 (hg19) VCF-style: chr6-152757112-T-A.
Other names: c.4295A>T, p.Glu1432Val (NM_033071.5); short protein forms E1425V, E1432V.
Identifiers: ClinVar variation 471046 (VCV000471046.9), dbSNP rs767783076, ClinGen allele CA4058605.